The following is an entry in ClinVar:

NM_018062.4(FANCL):c.902C>A (p.Ser301Tyr)

Gene: FANCL (FA complementation group L; minus strand). Cytogenetic location: 2p16.1.
Variant type: single nucleotide variant.
Coding change: c.902C>A on transcript NM_018062.4 (MANE Select); coding-DNA position 902, C replaced by A.
Protein change: p.Ser301Tyr; replaces serine 301 with tyrosine.
Molecular consequence: missense variant.
Genome position (GRCh38, 1-based): chr2:58,162,867, G>T on the plus strand (C>A on the coding strand, the complement: FANCL is on the minus strand). VCF-style: chr2-58162867-G-T. GRCh37 (hg19) VCF-style: chr2-58390002-G-T.
Other names: c.917C>A, p.Ser306Tyr (NM_001114636.2); c.947C>A, p.Ser316Tyr (NM_001374615.1); c.962C>A, p.Ser321Tyr (NM_001410792.1); short protein forms S301Y, S321Y, S306Y, S316Y.
Identifiers: ClinVar variation 2041835 (VCV002041835.4), dbSNP rs1405173705, ClinGen allele CA346934848.

ClinVar aggregate classification (germline): Uncertain significance (1 of 4 stars; one submission).

Conditions:
Fanconi anemia (FA). Also called: Fanconi's anemia. Identifiers: Orphanet 84, MedGen C0015625, MeSH D005199, MONDO:0019391.

Allele frequency attached by ClinVar (database versions not stated): TOPMed below 0.00001.

Submission:

Labcorp Genetics (formerly Invitae), Labcorp
Classification: Uncertain significance for Fanconi anemia. Last evaluated: 2022-08-09. Review status: criteria provided, single submitter. Criteria: Invitae Variant Classification Sherloc (09022015). Collection method: clinical testing. Allele origin: germline.
Comment: In summary, the available evidence is currently insufficient to determine the role of this variant in disease. Therefore, it has been classified as a Variant of Uncertain Significance. Algorithms developed to predict the effect of sequence changes on RNA splicing suggest that this variant may disrupt the consensus splice site. Algorithms developed to predict the effect of missense changes on protein structure and function are either unavailable or do not agree on the potential impact of this missense change (SIFT: "Deleterious"; PolyPhen-2: "Possibly Damaging"; Align-GVGD: "Class C0"). This variant has not been reported in the literature in individuals affected with FANCL-related conditions. This variant is not present in population databases (gnomAD no frequency). This sequence change replaces serine, which is neutral and polar, with tyrosine, which is neutral and polar, at codon 301 of the FANCL protein (p.Ser301Tyr).